The following is an entry in ClinVar:

ClinVar aggregate classification (germline): Conflicting classifications of pathogenicity. Review status: criteria provided, conflicting classifications (1 of 4 stars). 8 submissions from 8 submitters: Pathogenic (1); Likely pathogenic (3); Uncertain significance (4). Last evaluated 2026-02-03.

Conditions:
TH-deficient dopa-responsive dystonia. Also called: DYT-TH; Tyrosine Hydroxylase-Deficient Dopa-Responsive Dystonia; Segawa syndrome, autosomal recessive. Identifiers: Orphanet 101150, MedGen C2673535, MONDO:0011551, OMIM 605407.

Allele frequency attached by ClinVar (database versions not stated): gnomAD exomes 0.00004 and 0.00007; TOPMed 0.00008; ExAC 0.00009; gnomAD 0.00009.
gnomAD v4.1: 72 of 1,549,510 alleles (0.0046%); highest among the groups gnomAD compares: African/African-American, 0.04%; 1 homozygote.

Submissions (8):

Myriad Genetics, Inc.
Classification: Uncertain significance for TH-deficient dopa-responsive dystonia. Last evaluated: 2026-02-03. Review status: criteria provided, single submitter. Criteria: Myriad Autosomal Dominant, Autosomal Recessive and X-Linked Classification Criteria (2023). Collection method: clinical testing. Allele origin: unknown.
Comment: NM_199292.2(TH):c.1451G>A(R484H) is a missense variant classified as a variant of uncertain significance in the context of tyrosine hydroxylase deficiency. R484H has been observed in cases with relevant disease (PMID: 25181484, Tang_2015_(Article)). Relevant functional assessments of this variant are available in the literature (PMID: 25181484). R484H has been observed in referenced population frequency databases. In summary, there is insufficient evidence to classify NM_199292.2(TH):c.1451G>A(R484H) as pathogenic or benign. Please note: this variant was assessed in the context of healthy population screening.

Labcorp Genetics (formerly Invitae), Labcorp
Classification: Likely pathogenic for TH-deficient dopa-responsive dystonia. Last evaluated: 2026-01-29. Review status: criteria provided, single submitter. Criteria: Invitae Variant Classification Sherloc (09022015). Collection method: clinical testing. Allele origin: germline.
Comment: This sequence change replaces arginine, which is basic and polar, with histidine, which is basic and polar, at codon 484 of the TH protein (p.Arg484His). This variant is present in population databases (rs759599321, gnomAD 0.04%), including at least one homozygous and/or hemizygous individual. This missense change has been observed in individual(s) with dopa responsive dystonia (PMID: 25181484). It has also been observed to segregate with disease in related individuals. This variant is also known as p.Arg453His. ClinVar contains an entry for this variant (Variation ID: 806594). Invitae Evidence Modeling of protein sequence and biophysical properties (such as structural, functional, and spatial information, amino acid conservation, physicochemical variation, residue mobility, and thermodynamic stability) has been performed for this missense variant. However, the output from this modeling did not meet the statistical confidence thresholds required to predict the impact of this variant on TH protein function. Experimental studies have shown that this missense change affects TH function (PMID: 25181484). In summary, the currently available evidence indicates that the variant is pathogenic, but additional data are needed to prove that conclusively. Therefore, this variant has been classified as Likely Pathogenic.

Genomic Medicine Center of Excellence, King Faisal Specialist Hospital and Research Centre
Classification: Likely pathogenic for TH-deficient dopa-responsive dystonia. Last evaluated: 2025-09-10. Review status: criteria provided, single submitter. Criteria: ACMG Guidelines, 2015. Collection method: clinical testing. Allele origin: germline.

GeneDx
Classification: Uncertain significance. Last evaluated: 2025-04-08. Review status: criteria provided, single submitter. Criteria: GeneDx Variant Classification Process June 2021. Collection method: clinical testing. Allele origin: germline. Affected: yes.
Comment: In silico analysis supports that this missense variant has a deleterious effect on protein structure/function; This variant is associated with the following publications: (PMID: 25181484)

3billion
Classification: Pathogenic for TH-deficient dopa-responsive dystonia. Last evaluated: 2025-02-05. Review status: criteria provided, single submitter. Criteria: ACMG Guidelines, 2015. Collection method: clinical testing. Allele origin: germline. Affected: yes.
Comment: The variant is observed at an extremely low frequency in the gnomAD v4.1.0 dataset (total allele frequency: 0.005%). Predicted Consequence/Location: Missense variant. The majority of the known disease-causing variants of this gene are variants expected to result in premature termination of the protein. Functional studies provide moderate evidence of the variant having a damaging effect on the gene or gene product (PMID: 25181484). In silico tool predictions suggest damaging effect of the variant on gene or gene product [REVEL: 0.97 (>=0.6, sensitivity 0.68 and specificity 0.92); 3Cnet: 0.97 (>=0.6, sensitivity 0.72 and precision 0.9)]. The same nucleotide change resulting in the same amino acid change has been previously reported as pathogenic/likely pathogenic with strong evidence (ClinVar ID: VCV000806594 /PMID: 25181484 /3billion dataset). The variant has been reported to co-segregate with the disease in at least one similarly affected relative/individual in the same family or similarly affected unrelated family (PMID: 25181484). Different missense changes at the same codon (p.Arg453Cys, p.Arg453Leu) have been reported to be associated with TH-related disorder (ClinVar ID: VCV001524970 /PMID: 31419477). Therefore, this variant is classified as Pathogenic according to the recommendation of ACMG/AMP guideline.

Fulgent Genetics
Classification: Likely pathogenic for TH-deficient dopa-responsive dystonia. Last evaluated: 2024-06-13. Review status: criteria provided, single submitter. Criteria: ACMG Guidelines, 2015. Collection method: clinical testing. Allele origin: germline.

Women's Health and Genetics/Laboratory Corporation of America, LabCorp
Classification: Uncertain significance. Last evaluated: 2022-09-22. Review status: criteria provided, single submitter. Criteria: LabCorp Variant Classification Summary - May 2015. Collection method: clinical testing. Allele origin: germline.
Comment: Variant summary: TH c.1451G>A (p.Arg484His) results in a non-conservative amino acid change located in the Aromatic amino acid hydroxylase, C-terminal domain (IPR019774) of the encoded protein sequence. Five of five in-silico tools predict a damaging effect of the variant on protein function. The variant allele was found at a frequency of 6.9e-05 in 203112 control chromosomes in the gnomAD database, including 1 homozygotes. This frequency is not higher than predicted for a pathogenic variant in TH causing Segawa Syndrome, Autosomal Recessive (6.9e-05 vs 0.0011), allowing no conclusion about variant significance. c.1451G>A has been reported in the literature in two siblings affected with Dopa-Responsive Dystonia with a non-informative genotype (pathogenicity of the second allele is not certain) (example: Sun_2014). At least one publication reports experimental evidence evaluating an impact on protein function. The most pronounced variant effect results in >50%-90% of normal activity (example: Sun_2014). Three clinical diagnostic laboratories have submitted clinical-significance assessments for this variant to ClinVar after 2014 and classified the variant as VUS (n=1) and likely pathogenic (n=2). Based on the evidence outlined above, the variant was classified as uncertain significance.

CeGaT Center for Human Genetics Tuebingen
Classification: Uncertain significance. Last evaluated: 2018-10-01. Review status: criteria provided, single submitter. Criteria: CeGaT Center For Human Genetics Tuebingen Variant Classification Criteria Version 2. Collection method: clinical testing. Allele origin: germline. Affected: yes. Observed: 1 variant allele.

Literature cited by the submitters: PubMed 25181484 (cited by 4 submitters); PubMed 31419477 (cited by 3billion).

NM_000360.4(TH):c.1358G>A (p.Arg453His)

Gene: TH (tyrosine hydroxylase; minus strand). Cytogenetic location: 11p15.5.
Variant type: single nucleotide variant.
Coding change: c.1358G>A on transcript NM_000360.4 (MANE Select); coding-DNA position 1358, G replaced by A.
Protein change: p.Arg453His; replaces arginine 453 with histidine.
Molecular consequence: missense variant.
Genome position (GRCh38, 1-based): chr11:2,164,369, C>T on the plus strand (G>A on the coding strand, the complement: TH is on the minus strand). VCF-style: chr11-2164369-C-T. GRCh37 (hg19) VCF-style: chr11-2185599-C-T.
Other names: c.1451G>A, p.Arg484His (NM_199292.3); c.1439G>A, p.Arg480His (NM_199293.3); c.1451G>A (NM_199292.2); short protein forms R453H, R480H, R484H.
Identifiers: ClinVar variation 806594 (VCV000806594.53), dbSNP rs759599321, ClinGen allele CA5818265.